The following is an entry in ClinVar:

NM_000455.5(STK11):c.902G>A (p.Arg301Gln)

Gene: STK11 (serine/threonine kinase 11; plus strand). Cytogenetic location: 19p13.3.
Variant type: single nucleotide variant.
Coding change: c.902G>A on transcript NM_000455.5 (MANE Select); coding-DNA position 902, G replaced by A.
Protein change: p.Arg301Gln; replaces arginine 301 with glutamine.
Molecular consequence: missense variant.
Genome position (GRCh38, 1-based): chr19:1,221,988, G>A. VCF-style: chr19-1221988-G-A. GRCh37 (hg19) VCF-style: chr19-1221987-G-A.
Other names: short protein forms R301Q.
Identifiers: ClinVar variation 216435 (VCV000216435.24), dbSNP rs370222210, ClinGen allele CA049476.
Genomic context (GRCh38, chr19:1,221,988, plus strand): 5'-TCCTCGCCGGCTTCTCCTCAGGGATGCTTGAGTACGAACCGGCCAAGAGGTTCTCCATCC[G>A]GCAGATCCGGCAGCACAGGTGAGCGGCCCCTGGGGGCAGTGGGGCCGAGGCTGCAGGGAG-3'
Protein context (NP_000446.1, residues 291-311): EYEPAKRFSI[Arg301Gln]QIRQHSWFRK

ClinVar aggregate classification (germline): Conflicting classifications of pathogenicity. Review status: criteria provided, conflicting classifications (1 of 4 stars). 9 submissions from 9 submitters: Uncertain significance (4); Benign (1); Likely benign (3). 1 of the submissions does not count toward it. Last evaluated 2025-12-15.

Conditions:
Hereditary cancer-predisposing syndrome. Also called: Tumor predisposition; Hereditary Cancer Syndrome; Neoplastic Syndromes, Hereditary; Hereditary neoplastic syndrome. Identifiers: Orphanet 140162, MedGen C0027672, MeSH D009386, MONDO:0015356.
Peutz-Jeghers syndrome (PJS). Also called: POLYPOSIS, HAMARTOMATOUS INTESTINAL; POLYPS-AND-SPOTS SYNDROME; Peutz-Jeghers polyposis; Periorificial lentiginosis syndrome. Identifiers: Orphanet 2869, MedGen C0031269, MeSH D010580, MONDO:0008280, OMIM 175200.

Allele frequency attached by ClinVar (database versions not stated): gnomAD 0.00001; gnomAD exomes 0.00001 and 0.00002; TOPMed 0.00001; ExAC 0.00004; ESP Exome Variant Server 0.00008.
gnomAD v4.1: 22 of 1,569,932 alleles (0.0014%); highest among the groups gnomAD compares: South Asian, 0.0035%; no homozygotes.

Submissions (9):

Labcorp Genetics (formerly Invitae), Labcorp
Classification: Benign for Peutz-Jeghers syndrome. Last evaluated: 2025-12-15. Review status: criteria provided, single submitter. Criteria: Invitae Variant Classification Sherloc (09022015). Collection method: clinical testing. Allele origin: germline.

Quest Diagnostics Nichols Institute San Juan Capistrano
Classification: Uncertain significance. Last evaluated: 2025-03-08. Review status: criteria provided, single submitter. Criteria: Quest Diagnostics criteria. Collection method: clinical testing. Allele origin: unknown.
Comment: The STK11 c.902G>A (p.Arg301Gln) variant has been reported in the published literature in an individual with ovarian cancer (PMID: 30093976 (2018)). The frequency of this variant in the general population (Genome Aggregation Database) is higher than would generally be expected for pathogenic variants in this gene. Analysis of this variant using bioinformatics tools for the prediction of the effect of amino acid changes on protein structure and function yielded predictions that this variant is benign. Based on the available information, we are unable to determine the clinical significance of this variant.

All of Us Research Program, National Institutes of Health
Classification: Uncertain significance for Peutz-Jeghers syndrome. Last evaluated: 2023-12-13. Review status: criteria provided, single submitter. Criteria: ACMG Guidelines, 2015. Collection method: clinical testing. Allele origin: germline. Inheritance: Autosomal dominant inheritance. Observed: 2 variant alleles, 2 heterozygotes.
Comment: This missense variant replaces arginine with glutamine at codon 301 of the STK11 protein. Computational prediction suggests that this variant may not impact protein structure and function (internally defined REVEL score threshold <= 0.5, PMID: 27666373). Splice site prediction tools suggest that this variant may not impact RNA splicing. To our knowledge, functional studies have not been reported for this variant. This variant has not been reported in individuals affected with hereditary cancer in the literature. This variant has been identified in 5/211350 chromosomes in the general population by the Genome Aggregation Database (gnomAD). The available evidence is insufficient to determine the role of this variant in disease conclusively. Therefore, this variant is classified as a Variant of Uncertain Significance.

This study involves interpretation of variants in research participants for the purpose of population health screening. Participant phenotype was not available at the time of variant classification. Additional details can be found in publication PMID: 35346344, PMCID: PMC8962531

Color Diagnostics, LLC DBA Color Health
Classification: Uncertain significance for Hereditary cancer-predisposing syndrome. Last evaluated: 2023-11-10. Review status: criteria provided, single submitter. Criteria: ACMG Guidelines, 2015. Collection method: clinical testing. Allele origin: germline.
Comment: This missense variant replaces arginine with glutamine at codon 301 of the STK11 protein. Computational prediction suggests that this variant may not impact protein structure and function (internally defined REVEL score threshold <= 0.5, PMID: 27666373). To our knowledge, functional studies have not been reported for this variant. This variant has been reported in an individual affected with colorectal cancer (PMID: 30093976). This variant has been identified in 5/211350 chromosomes in the general population by the Genome Aggregation Database (gnomAD). The available evidence is insufficient to determine the role of this variant in disease conclusively. Therefore, this variant is classified as a Variant of Uncertain Significance.

Myriad Genetics, Inc.
Classification: Uncertain significance for Peutz-Jeghers syndrome. Last evaluated: 2023-04-12. Review status: criteria provided, single submitter. Criteria: Myriad Autosomal Dominant, Autosomal Recessive and X-Linked Classification Criteria (2023). Collection method: clinical testing. Allele origin: unknown.
Comment: This variant is classified as a variant of uncertain significance as there is insufficient evidence to determine its impact on protein function and/or cancer risk.

Genome-Nilou Lab
Classification: Likely benign for Peutz-Jeghers syndrome. Last evaluated: 2021-07-15. Review status: criteria provided, single submitter. Criteria: ACMG Guidelines, 2015. Collection method: clinical testing. Allele origin: germline. Affected: no.

GeneDx
Classification: Likely benign. Last evaluated: 2020-10-30. Review status: criteria provided, single submitter. Criteria: GeneDx Variant Classification Process June 2021. Collection method: clinical testing. Allele origin: germline. Affected: yes.
Comment: Not observed at a significant frequency in large population cohorts (Lek 2016); In silico analysis supports that this missense variant does not alter protein structure/function; This variant is associated with the following publications: (PMID: 30093976)

Ambry Genetics
Classification: Likely benign for Hereditary cancer-predisposing syndrome. Last evaluated: 2017-12-15. Review status: criteria provided, single submitter. Criteria: Ambry Variant Classification Scheme 2023. Collection method: clinical testing. Allele origin: germline.

Counsyl
Classification: Uncertain significance for Peutz-Jeghers syndrome. Last evaluated: 2017-04-18. Review status: no assertion criteria provided. Collection method: clinical testing. Allele origin: unknown. Not counted in ClinVar's aggregate classification.

Literature cited by the submitters: PubMed 30093976 (cited by Quest Diagnostics Nichols Institute San Juan Capistrano and Color Diagnostics, LLC DBA Color Health).